The following is an entry in ClinVar:

ClinVar aggregate classification (germline): Uncertain significance (1 of 4 stars; one submission).

Conditions:
Peroxisome biogenesis disorder. Identifiers: Orphanet 79189, MedGen C1832200, MONDO:0019234. Disease mechanism: loss of function.

Submission:

Labcorp Genetics (formerly Invitae), Labcorp
Classification: Uncertain significance for Peroxisome biogenesis disorder. Last evaluated: 2024-05-15. Review status: criteria provided, single submitter. Criteria: Invitae Variant Classification Sherloc (09022015). Collection method: clinical testing. Allele origin: germline.
Comment: This sequence change replaces glutamic acid, which is acidic and polar, with valine, which is neutral and non-polar, at codon 45 of the PEX16 protein (p.Glu45Val). This variant is not present in population databases (gnomAD no frequency). This variant has not been reported in the literature in individuals affected with PEX16-related conditions. ClinVar contains an entry for this variant (Variation ID: 1480047). Advanced modeling of protein sequence and biophysical properties (such as structural, functional, and spatial information, amino acid conservation, physicochemical variation, residue mobility, and thermodynamic stability) performed at Invitae indicates that this missense variant is not expected to disrupt PEX16 protein function with a negative predictive value of 80%. In summary, the available evidence is currently insufficient to determine the role of this variant in disease. Therefore, it has been classified as a Variant of Uncertain Significance.

NM_004813.4(PEX16):c.134A>T (p.Glu45Val)

Gene: PEX16 (peroxisomal biogenesis factor 16; minus strand). Cytogenetic location: 11p11.2.
Variant type: single nucleotide variant.
Coding change: c.134A>T on transcript NM_004813.4 (MANE Select); coding-DNA position 134, A replaced by T.
Protein change: p.Glu45Val; replaces glutamic acid 45 with valine.
Molecular consequence: missense variant.
Genome position (GRCh38, 1-based): chr11:45,917,472, T>A on the plus strand (A>T on the coding strand, the complement: PEX16 is on the minus strand). VCF-style: chr11-45917472-T-A. GRCh37 (hg19) VCF-style: chr11-45939023-T-A.
Other names: c.134A>T, p.Glu45Val (NM_057174.3); short protein forms E45V.
Identifiers: ClinVar variation 1480047 (VCV001480047.8), dbSNP rs2134699091, ClinGen allele CA380230127.